The following is an entry in ClinVar:

NM_020791.4(TAOK1):c.2082G>T (p.Lys694Asn)

Gene: TAOK1 (TAO kinase 1; plus strand). Cytogenetic location: 17q11.2.
Variant type: single nucleotide variant.
Coding change: c.2082G>T on transcript NM_020791.4 (MANE Select); coding-DNA position 2082, G replaced by T.
Protein change: p.Lys694Asn; replaces lysine 694 with asparagine.
Molecular consequence: missense variant. On other transcripts: intron variant (1).
Genome position (GRCh38, 1-based): chr17:29,522,453, G>T. VCF-style: chr17-29522453-G-T. GRCh37 (hg19) VCF-style: chr17-27849471-G-T.
Other names: c.1705-7954G>T (NM_025142.1); c.2082G>T (NM_020791.2); short protein forms K694N.
Identifiers: ClinVar variation 3777102 (VCV003777102.1).
Genomic context (GRCh38, chr17:29,522,453, plus strand): 5'-CTGTGAGTTGATCAGATTACAGCATCAAACTGAGCTCACTAACCAGCTGGAATATAATAA[G>T]CGAAGAGAACGAGAACTAAGACGAAAGCATGTCATGGAAGTTCGACAACAGCCTAAGAGT-3'
Protein context (NP_065842.1, residues 684-704): TELTNQLEYN[Lys694Asn]RRERELRRKH

ClinVar aggregate classification (germline): Uncertain significance (1 of 4 stars; one submission).

Conditions:
Developmental delay with or without intellectual impairment or behavioral abnormalities. Identifiers: MedGen C5562004, MONDO:0859199, OMIM 619575.

gnomAD v4.1: 1 of 1,614,122 alleles (0.000062%); highest among the groups gnomAD compares: Non-Finnish European, 0.000085%; no homozygotes.

Submission:

University of Washington Department of Laboratory Medicine, University of Washington
Classification: Uncertain significance for Developmental delay with or without intellectual impairment or behavioral abnormalities. Last evaluated: 2022-01-27. Review status: criteria provided, single submitter. Criteria: ACMG Guidelines, 2015. Collection method: clinical testing. Allele origin: unknown. Affected: yes.
Comment: The p.Lys694Asn variant in the TAOK1 gene has not been previously reported in association with disease. The variant was absent from large population databases, including the Genome Aggregation Database. The TAOK1 gene has fewer missense variants in the general population than expected. A low rate of missense variation may suggest that this gene is intolerant to missense variation. In silico tools do not consistently predict if this variant impacts protein function; however, these predictions have not been tested directly. Using ACMG guidelines, this variant was classified as a variant of uncertain significance (ACMG evidence codes used: PM2_supporting, PP2).